The following is an entry in ClinVar:

NM_000038.6(APC):c.487C>G (p.Gln163Glu)

Gene: APC (APC regulator of Wnt signaling pathway; plus strand). Cytogenetic location: 5q22.2.
Variant type: single nucleotide variant.
Coding change: c.487C>G on transcript NM_000038.6 (MANE Select); coding-DNA position 487, C replaced by G.
Protein change: p.Gln163Glu; replaces glutamine 163 with glutamic acid.
Molecular consequence: missense variant. On other transcripts: 5 prime UTR variant (4), non-coding transcript variant (2).
Genome position (GRCh38, 1-based): chr5:112,775,693, C>G. VCF-style: chr5-112775693-C-G. GRCh37 (hg19) VCF-style: chr5-112111390-C-G.
Other names: c.310C>G, p.Gln104Glu (NM_001354901.2, NM_001354905.2, NM_001407453.1 and 1 more transcripts); c.517C>G, p.Gln173Glu (NM_001354902.2, NM_001407446.1, NM_001127511.3 and 1 more transcripts); c.487C>G, p.Gln163Glu (NM_001354903.2, NM_001407447.1, NM_001407448.1 and 16 more transcripts); c.412C>G, p.Gln138Glu (NM_001354904.2, NM_001407451.1, NM_001354898.2); c.-549C>G (NM_001354906.2, NM_001407470.1, NM_001407471.1 and 1 more transcripts); short protein forms Q104E, Q138E, Q163E, Q173E.
Identifiers: ClinVar variation 3635397 (VCV003635397.2).
Genomic context (GRCh38, chr5:112,775,693, plus strand): 5'-TTGCTTCTTGCTGATCTTGACAAAGAAGAAAAGGAAAAAGACTGGTATTACGCTCAACTT[C>G]AGAATCTCACTAAAAGAATAGATAGTCTTCCTTTAACTGAAAATGTAAGTAACTTGGCAG-3'
Protein context (NP_000029.2, residues 153-173): KEKDWYYAQL[Gln163Glu]NLTKRIDSLP

ClinVar aggregate classification (germline): Uncertain significance (1 of 4 stars; one submission).

Conditions:
Familial adenomatous polyposis 1 (FAP1). Also called: FAMILIAL ADENOMATOUS POLYPOSIS 1, ATTENUATED; POLYPOSIS, ADENOMATOUS INTESTINAL. Identifiers: MedGen C2713442, MONDO:0021056, OMIM 175100. Disease mechanism: loss of function.

Submission:

Labcorp Genetics (formerly Invitae), Labcorp
Classification: Uncertain significance for Familial adenomatous polyposis 1. Last evaluated: 2024-11-28. Review status: criteria provided, single submitter. Criteria: Invitae Variant Classification Sherloc (09022015). Collection method: clinical testing. Allele origin: germline.
Comment: This sequence change replaces glutamine, which is neutral and polar, with glutamic acid, which is acidic and polar, at codon 163 of the APC protein (p.Gln163Glu). This variant is not present in population databases (gnomAD no frequency). This variant has not been reported in the literature in individuals affected with APC-related conditions. Invitae Evidence Modeling of protein sequence and biophysical properties (such as structural, functional, and spatial information, amino acid conservation, physicochemical variation, residue mobility, and thermodynamic stability) indicates that this missense variant is not expected to disrupt APC protein function with a negative predictive value of 95%. In summary, the available evidence is currently insufficient to determine the role of this variant in disease. Therefore, it has been classified as a Variant of Uncertain Significance.